The following is an entry in ClinVar:

NM_015450.3(POT1):c.1744del (p.Ser582fs)

Gene: POT1 (protection of telomeres 1; minus strand). Cytogenetic location: 7q31.33.
Variant type: Deletion.
Coding change: c.1744del on transcript NM_015450.3 (MANE Select); coding-DNA position 1744, one base deleted (A; older notation c.1744delA).
Protein change: p.Ser582fs; shifts the reading frame from serine 582.
Molecular consequence: frameshift variant. On other transcripts: non-coding transcript variant (3).
Genome position (GRCh38, 1-based): chr7:124,825,300, T deleted on the plus strand (A on the coding strand, the reverse complement: POT1 is on the minus strand); the first of 4 consecutive T bases (chr7:124,825,300-124,825,303); deleting any one gives the same sequence. VCF-style (leftmost placement, unchanged base first): chr7-124825299-CT-C. GRCh37 (hg19) VCF-style: chr7-124465353-CT-C.
Other names: c.1351del, p.Ser451fs (NM_001042594.2); c.1744delA (NM_015450.2); short protein forms S582fs, S451fs.
Identifiers: ClinVar variation 3018173 (VCV003018173.5), dbSNP rs2485338136, ClinGen allele CA2740097521.

ClinVar aggregate classification (germline): Uncertain significance. Review status: criteria provided, multiple submitters, no conflicts (2 of 4 stars). 2 submissions from 2 submitters: Uncertain significance (2). Last evaluated 2025-11-19.

Conditions:
Tumor predisposition syndrome 3 (TPDS3). Also called: Melanoma, cutaneous malignant, susceptibility to, 10; Glioma susceptibility 9; LONG TELOMERE SYNDROME, POT1-RELATED; POT1 Tumor Predisposition. Identifiers: Orphanet 618, MedGen C4014476, MONDO:0014368, OMIM 615848.
Hereditary cancer-predisposing syndrome. Also called: Tumor predisposition; Hereditary Cancer Syndrome; Hereditary neoplastic syndrome; Neoplastic Syndromes, Hereditary. Identifiers: Orphanet 140162, MedGen C0027672, MeSH D009386, MONDO:0015356.

Submissions (2):

Ambry Genetics
Classification: Uncertain significance for Hereditary cancer-predisposing syndrome. Last evaluated: 2025-11-19. Review status: criteria provided, single submitter. Criteria: Ambry Variant Classification Scheme 2023. Collection method: clinical testing. Allele origin: germline.
Comment: The c.1744delA variant, located in coding exon 14 of the POT1 gene, results from a deletion of one nucleotide at nucleotide position 1744, causing a translational frameshift with a predicted alternate stop codon (p.S582Vfs*4). This alteration occurs at the 3' terminus of thePOT1 gene, is not expected to trigger nonsense-mediated mRNAdecay, and only impacts the last 53 amino acids of the protein. The exact functional effect of this alteration is unknown. Based on the available evidence, the clinical significance of this variant remains unclear.

Labcorp Genetics (formerly Invitae), Labcorp
Classification: Uncertain significance for Tumor predisposition syndrome 3. Last evaluated: 2025-03-17. Review status: criteria provided, single submitter. Criteria: Invitae Variant Classification Sherloc (09022015). Collection method: clinical testing. Allele origin: germline.
Comment: This sequence change creates a premature translational stop signal (p.Ser582Valfs*4) in the POT1 gene. While this is not anticipated to result in nonsense mediated decay, it is expected to disrupt the last 53 amino acid(s) of the POT1 protein. This variant is not present in population databases (gnomAD no frequency). This variant has not been reported in the literature in individuals affected with POT1-related conditions. ClinVar contains an entry for this variant (Variation ID: 3018173). This variant disrupts a region of the POT1 protein in which other variant(s) (p.Asp617Glufs*9) have been observed in individuals with POT1-related conditions (PMID: 25482530, 27329137, 29625052, 32191290, 32907878, 34193977). This suggests that this is a clinically significant region of the protein, and that variants that disrupt it are likely to be disease-causing. In summary, the available evidence is currently insufficient to determine the role of this variant in disease. Therefore, it has been classified as a Variant of Uncertain Significance.

Literature cited by the submitters: PubMed 25482530 (cited by Labcorp Genetics (formerly Invitae), Labcorp); PubMed 27329137 (cited by Labcorp Genetics (formerly Invitae), Labcorp); PubMed 29625052 (cited by Labcorp Genetics (formerly Invitae), Labcorp); PubMed 32191290 (cited by Labcorp Genetics (formerly Invitae), Labcorp); PubMed 32907878 (cited by Labcorp Genetics (formerly Invitae), Labcorp); PubMed 34193977 (cited by Labcorp Genetics (formerly Invitae), Labcorp).